The following is an entry in ClinVar:

NM_170606.3(KMT2C):c.4330A>G (p.Ile1444Val)

Gene: KMT2C (lysine methyltransferase 2C; minus strand). Cytogenetic location: 7q36.1.
Variant type: single nucleotide variant.
Coding change: c.4330A>G on transcript NM_170606.3 (MANE Select); coding-DNA position 4330, A replaced by G.
Protein change: p.Ile1444Val; replaces isoleucine 1444 with valine.
Molecular consequence: missense variant.
Genome position (GRCh38, 1-based): chr7:152,195,955, T>C on the plus strand (A>G on the coding strand, the complement: KMT2C is on the minus strand). VCF-style: chr7-152195955-T-C. GRCh37 (hg19) VCF-style: chr7-151893040-T-C.
Other names: short protein forms I1444V.
Identifiers: ClinVar variation 4685243 (VCV004685243.1).
Genomic context (GRCh38, chr7:152,195,955, plus strand): 5'-ATTCATATATACCTGAATGATCAACTGATTTTGCTAGATCATCTGAAATTATTCCAAGAA[T>C]GTCATCATCTGTGTTTAAAACTTCAGAAATATCAGCTAATGGGTCATCAGCAGGACCTAA-3'
Protein context (NP_733751.2, residues 1434-1454): ISEVLNTDDD[Ile1444Val]LGIISDDLAK

ClinVar aggregate classification (germline): Likely pathogenic (1 of 4 stars; one submission).

gnomAD v4.1: 1 of 1,610,632 alleles (0.000062%); highest among the groups gnomAD compares: South Asian, 0.0011%; no homozygotes.

Submission:

GeneDx
Classification: Likely pathogenic. Last evaluated: 2025-07-10. Review status: criteria provided, single submitter. Criteria: GeneDx Variant Classification Process June 2021. Collection method: clinical testing. Allele origin: germline. Affected: yes.
Comment: Not observed at significant frequency in large population cohorts (gnomAD); In silico analysis suggests that this missense variant does not alter protein structure/function; Has not been previously published as pathogenic or benign to our knowledge